The following is an entry in ClinVar:

ClinVar aggregate classification (germline): Uncertain significance. Review status: criteria provided, multiple submitters, no conflicts (2 of 4 stars). 3 submissions from 3 submitters: Uncertain significance (3). Last evaluated 2025-04-11.

Conditions:
Retinal dystrophy. Also called: Inherited retinal dystrophy. Identifiers: Orphanet 71862, MedGen C0854723, MeSH D058499, MONDO:0019118, HP:0000556.
Inborn genetic diseases. Identifiers: MedGen C0950123, MeSH D030342.

Allele frequency attached by ClinVar (database versions not stated): ExAC 0.00001; TOPMed 0.00002; gnomAD exomes 0.00001; gnomAD 0.00001.
gnomAD v4.1: 16 of 1,610,702 alleles (0.00099%); highest among the groups gnomAD compares: African/African-American, 0.004%; no homozygotes.

Submissions (3):

Ambry Genetics
Classification: Uncertain significance for Inborn genetic diseases. Last evaluated: 2025-04-11. Review status: criteria provided, single submitter. Criteria: Ambry Variant Classification Scheme 2023. Collection method: clinical testing. Allele origin: germline.

Dept Of Ophthalmology, Nagoya University
Classification: Uncertain significance for Retinal dystrophy. Last evaluated: 2023-10-01. Review status: criteria provided, single submitter. Criteria: Submitter's publication. Collection method: research. Allele origin: germline. Affected: yes.

Labcorp Genetics (formerly Invitae), Labcorp
Classification: Uncertain significance. Last evaluated: 2022-05-20. Review status: criteria provided, single submitter. Criteria: Invitae Variant Classification Sherloc (09022015). Collection method: clinical testing. Allele origin: germline.
Comment: This sequence change replaces glutamic acid, which is acidic and polar, with lysine, which is basic and polar, at codon 853 of the RBP3 protein (p.Glu853Lys). This variant is present in population databases (rs782365060, gnomAD 0.005%). This variant has not been reported in the literature in individuals affected with RBP3-related conditions. Algorithms developed to predict the effect of missense changes on protein structure and function output the following: SIFT: "Deleterious"; PolyPhen-2: "Possibly Damaging"; Align-GVGD: "Class C0". The lysine amino acid residue is found in multiple mammalian species, which suggests that this missense change does not adversely affect protein function. In summary, the available evidence is currently insufficient to determine the role of this variant in disease. Therefore, it has been classified as a Variant of Uncertain Significance.

NM_002900.3(RBP3):c.2557G>A (p.Glu853Lys)

Gene: RBP3 (retinol binding protein 3; plus strand). Cytogenetic location: 10q11.22.
Variant type: single nucleotide variant.
Coding change: c.2557G>A on transcript NM_002900.3 (MANE Select); coding-DNA position 2557, G replaced by A.
Protein change: p.Glu853Lys; replaces glutamic acid 853 with lysine.
Molecular consequence: missense variant.
Genome position (GRCh38, 1-based): chr10:47,351,041, G>A. VCF-style: chr10-47351041-G-A. GRCh37 (hg19) VCF-style: chr10-48388321-C-T.
Other names: c.2557G>A (NM_002900.2); short protein forms E853K.
Identifiers: ClinVar variation 2163697 (VCV002163697.3), dbSNP rs782365060, ClinGen allele CA5487253.